The following is an entry in ClinVar:

ClinVar aggregate classification (germline): Uncertain significance. Review status: criteria provided, multiple submitters, no conflicts (2 of 4 stars). 4 submissions from 4 submitters: Uncertain significance (4). Last evaluated 2025-06-01.

Conditions:
Familial thoracic aortic aneurysm and aortic dissection (TAAD). Also called: Thoracic aortic aneurysms and dissections. Identifiers: Orphanet 91387, MedGen C4707243, MONDO:0019625.
Ehlers-Danlos syndrome, type 4 (EDSVASC). Also called: Ehlers-Danlos syndrome vascular type; Ehlers Danlos syndrome, ecchymotic type; Ehlers Danlos syndrome, arterial type; Ehlers Danlos syndrome, Sack-Barabas type; Ehlers-Danlos Syndrome Type IV. Identifiers: Orphanet 286, MedGen C0268338, MONDO:0017314, OMIM 130050.

Allele frequency attached by ClinVar (database versions not stated): TOPMed below 0.00001; ExAC 0.00001; gnomAD 0.00001; gnomAD exomes 0.00001.
gnomAD v4.1: 22 of 1,613,518 alleles (0.0014%); highest among the groups gnomAD compares: East Asian, 0.0022%; no homozygotes.

Submissions (4):

Labcorp Genetics (formerly Invitae), Labcorp
Classification: Uncertain significance for Ehlers-Danlos syndrome, type 4. Last evaluated: 2025-06-01. Review status: criteria provided, single submitter. Criteria: Invitae Variant Classification Sherloc (09022015). Collection method: clinical testing. Allele origin: germline.
Comment: This sequence change replaces arginine, which is basic and polar, with glutamine, which is neutral and polar, at codon 238 of the COL3A1 protein (p.Arg238Gln). This variant is present in population databases (rs760324242, gnomAD 0.002%). This variant has not been reported in the literature in individuals affected with COL3A1-related conditions. ClinVar contains an entry for this variant (Variation ID: 628761). Invitae Evidence Modeling of protein sequence and biophysical properties (such as structural, functional, and spatial information, amino acid conservation, physicochemical variation, residue mobility, and thermodynamic stability) indicates that this missense variant is not expected to disrupt COL3A1 protein function with a negative predictive value of 95%. In summary, the available evidence is currently insufficient to determine the role of this variant in disease. Therefore, it has been classified as a Variant of Uncertain Significance.

GeneDx
Classification: Uncertain significance. Last evaluated: 2024-05-29. Review status: criteria provided, single submitter. Criteria: GeneDx Variant Classification Process June 2021. Collection method: clinical testing. Allele origin: germline. Affected: yes.
Comment: Has not been previously published as pathogenic or benign to our knowledge; Not observed at significant frequency in large population cohorts (gnomAD); In silico analysis indicates that this missense variant does not alter protein structure/function; Occurs in the triple helical domain at the X position in the canonical Gly-X-Y repeat; although this variant may have an effect on normal protein folding and function, missense substitution at the X position is not a common mechanism of disease (HGMD)

All of Us Research Program, National Institutes of Health
Classification: Uncertain significance for Ehlers-Danlos syndrome, type 4. Last evaluated: 2023-06-15. Review status: criteria provided, single submitter. Criteria: ACMG Guidelines, 2015. Collection method: clinical testing. Allele origin: germline. Inheritance: Autosomal dominant inheritance. Observed: 1 variant allele, 1 heterozygote.
Comment: This missense variant replaces arginine with glutamine at codon 238 of the COL3A1 protein. Computational prediction tools and conservation analyses are inconclusive regarding the impact of this variant on the protein function. Computational splicing tools suggest that this variant may not impact RNA splicing. To our knowledge, functional assays have not been performed for this variant nor has this variant been reported in individuals affected with cardiovascular disorders in the literature. This variant has been identified in 2/250842 chromosomes in the general population by the Genome Aggregation Database (gnomAD). Available evidence is insufficient to determine the role of this variant in disease conclusively. Therefore, this variant is classified as a Variant of Uncertain Significance.

This study involves interpretation of variants in research participants for the purpose of population health screening. Participant phenotype was not available at the time of variant classification. Additional details can be found in publication PMID: 35346344, PMCID: PMC8962531

Color Diagnostics, LLC DBA Color Health
Classification: Uncertain significance for Familial thoracic aortic aneurysm and aortic dissection. Last evaluated: 2019-05-05. Review status: criteria provided, single submitter. Criteria: ACMG Guidelines, 2015. Collection method: clinical testing. Allele origin: germline.
Comment: This missense variant replaces arginine with glutamine at codon 238 of the COL3A1 protein. Computational prediction tools and conservation analyses are inconclusive regarding the impact of this variant on the protein function. Computational splicing tools suggest that this variant may not impact RNA splicing. To our knowledge, functional assays have not been performed for this variant nor has this variant been reported in individuals affected with cardiovascular disorders in the literature. This variant has been identified in 2/250842 chromosomes in the general population by the Genome Aggregation Database (gnomAD). Available evidence is insufficient to determine the role of this variant in disease conclusively. Therefore, this variant is classified as a Variant of Uncertain Significance.

NM_000090.4(COL3A1):c.713G>A (p.Arg238Gln)

Gene: COL3A1 (collagen type III alpha 1 chain; plus strand). Cytogenetic location: 2q32.2.
Variant type: single nucleotide variant.
Coding change: c.713G>A on transcript NM_000090.4 (MANE Select); coding-DNA position 713, G replaced by A.
Protein change: p.Arg238Gln; replaces arginine 238 with glutamine.
Molecular consequence: missense variant.
Genome position (GRCh38, 1-based): chr2:188,990,118, G>A. VCF-style: chr2-188990118-G-A. GRCh37 (hg19) VCF-style: chr2-189854844-G-A.
Other names: short protein forms R238Q.
Identifiers: ClinVar variation 628761 (VCV000628761.13), dbSNP rs760324242, ClinGen allele CA076831.